The following is an entry in ClinVar:

NM_001354483.2(CSGALNACT1):c.177C>T (p.Ala59=)

Gene: CSGALNACT1 (chondroitin sulfate N-acetylgalactosaminyltransferase 1; minus strand). Cytogenetic location: 8p21.3.
Variant type: single nucleotide variant.
Coding change: c.177C>T on transcript NM_001354483.2 (MANE Select); coding-DNA position 177, C replaced by T.
Protein change: p.Ala59=; no amino-acid change (alanine 59 retained).
Molecular consequence: synonymous variant. On other transcripts: non-coding transcript variant (7).
Genome position (GRCh38, 1-based): chr8:19,505,658, G>A on the plus strand (C>T on the coding strand, the complement: CSGALNACT1 is on the minus strand). VCF-style: chr8-19505658-G-A. GRCh37 (hg19) VCF-style: chr8-19363169-G-A.
Other names: c.177C>T (NM_001130518.1); c.177C>T, p.Ala59= (NM_001130518.2, NM_001354475.2, NM_001354476.2 and 18 more transcripts).
Identifiers: ClinVar variation 1627174 (VCV001627174.10), dbSNP rs201056256, ClinGen allele CA4654338.

ClinVar aggregate classification (germline): Benign. Review status: criteria provided, single submitter (1 of 4 stars). 2 submissions from 2 submitters: Benign (1). 1 of the submissions does not count toward it. Last evaluated 2025-09-11.

Conditions:
CSGALNACT1-related disorder. Also called: CSGALNACT1-related condition.

Allele frequency attached by ClinVar (database versions not stated): gnomAD exomes 0.00006 and 0.00028; gnomAD 0.00007 and 0.00008; 1000 Genomes Project 0.00020; TOPMed 0.00022; 1000 Genomes Project 30x 0.00031; ExAC 0.00035.
gnomAD v4.1: 98 of 1,614,150 alleles (0.0061%); highest among the groups gnomAD compares: East Asian, 0.2%; no homozygotes.

Submissions (2):

Labcorp Genetics (formerly Invitae), Labcorp
Classification: Benign. Last evaluated: 2025-09-11. Review status: criteria provided, single submitter. Criteria: Invitae Variant Classification Sherloc (09022015). Collection method: clinical testing. Allele origin: germline.

PreventionGenetics, part of Exact Sciences
Classification: Likely benign for CSGALNACT1-related condition. Last evaluated: 2019-10-28. Review status: no assertion criteria provided. Collection method: clinical testing. Allele origin: germline. Not counted in ClinVar's aggregate classification.
Comment: This variant is classified as likely benign based on ACMG/AMP sequence variant interpretation guidelines (Richards et al. 2015 PMID: 25741868, with internal and published modifications).